The following is an entry in ClinVar:

NM_016148.5(SHANK1):c.4847C>A (p.Thr1616Asn)

Gene: SHANK1 (SH3 and multiple ankyrin repeat domains 1; minus strand). Cytogenetic location: 19q13.33.
Variant type: single nucleotide variant.
Coding change: c.4847C>A on transcript NM_016148.5 (MANE Select); coding-DNA position 4847, C replaced by A.
Protein change: p.Thr1616Asn; replaces threonine 1616 with asparagine.
Molecular consequence: missense variant.
Genome position (GRCh38, 1-based): chr19:50,667,113, G>T on the plus strand (C>A on the coding strand, the complement: SHANK1 is on the minus strand). VCF-style: chr19-50667113-G-T. GRCh37 (hg19) VCF-style: chr19-51170370-G-T.
Other names: short protein forms T1616N.
Identifiers: ClinVar variation 781516 (VCV000781516.6), dbSNP rs144762908, ClinGen allele CA9601109.

ClinVar aggregate classification (germline): Benign. Review status: criteria provided, multiple submitters, no conflicts (2 of 4 stars). 3 submissions from 3 submitters: Benign (2). 1 of the submissions does not count toward it. Last evaluated 2018-11-06.

Conditions:
SHANK1-related disorder. Also called: SHANK1-related condition.

Allele frequency attached by ClinVar (database versions not stated): gnomAD exomes 0.00278; gnomAD 0.01098 and 0.01172; TOPMed 0.01240; 1000 Genomes Project 30x 0.01437; 1000 Genomes Project 0.01458; ExAC 0.00603; ESP Exome Variant Server 0.00918.
gnomAD v4.1: 3,285 of 1,558,494 alleles (0.21%); highest among the groups gnomAD compares: African/African-American, 3.9%; 57 homozygotes.

Submissions (3):

Labcorp Genetics (formerly Invitae), Labcorp
Classification: Benign. Last evaluated: 2018-11-06. Review status: criteria provided, single submitter. Criteria: Invitae Variant Classification Sherloc (09022015). Collection method: clinical testing. Allele origin: germline.

Breakthrough Genomics
Classification: Benign. Review status: criteria provided, single submitter. Criteria: ACMG Guidelines, 2015. Collection method: not provided. Allele origin: germline. Inheritance: Unknown mechanism. Affected: yes.

PreventionGenetics, part of Exact Sciences
Classification: Benign for SHANK1-related condition. Last evaluated: 2019-05-01. Review status: no assertion criteria provided. Collection method: clinical testing. Allele origin: germline. Not counted in ClinVar's aggregate classification.
Comment: This variant is classified as benign based on ACMG/AMP sequence variant interpretation guidelines (Richards et al. 2015 PMID: 25741868, with internal and published modifications).